The following is an entry in ClinVar:

ClinVar aggregate classification (germline): Benign. Review status: reviewed by expert panel (3 of 4 stars). 14 submissions from 10 submitters: Benign (1). 13 of the submissions do not count toward it. Last evaluated 2026-07-20.

Conditions:
CEP290-related ciliopathy. Also called: CEP290 ciliopathy. Identifiers: MedGen CN305601, MONDO:0100451.
Meckel-Gruber syndrome. Also called: DYSENCEPHALIA SPLANCHNOCYSTICA; GRUBER SYNDROME; Dysencephalia splachnocystica. Identifiers: Orphanet 564, MedGen C0265215, MONDO:0018921.
Joubert syndrome. Also called: JOUBERT-BOLTSHAUSER SYNDROME; Familial aplasia of the vermis. Identifiers: Orphanet 475, MedGen C5979921, MONDO:0018772.
Nephronophthisis. Also called: Juvenile Nephronophthisis. Identifiers: Orphanet 655, MedGen C0687120, MONDO:0019005, HP:0000090.
Meckel syndrome, type 4 (MKS4). Also called: MECKEL-GRUBER SYNDROME, TYPE 4. Identifiers: Orphanet 564, MedGen C1970161, MONDO:0012626, OMIM 611134.
Bardet-Biedl syndrome 14 (BBS14). Identifiers: Orphanet 110, MedGen C2673874, MONDO:0014442, OMIM 615991.
Leber congenital amaurosis 10 (LCA10). Identifiers: Orphanet 65, MedGen C1857821, MONDO:0012723, OMIM 611755.
Joubert syndrome 5 (JBTS5). Identifiers: Orphanet 2318, MedGen C1857780, MONDO:0012432, OMIM 610188.
Senior-Loken syndrome 6 (SLSN6). Identifiers: Orphanet 3156, MedGen C1857779, MONDO:0012433, OMIM 610189.

Allele frequency attached by ClinVar (database versions not stated): ESP Exome Variant Server 0.00584; TOPMed 0.00652; gnomAD exomes 0.00053 and 0.00147; ExAC 0.00173; gnomAD 0.00585 and 0.00553; 1000 Genomes Project 30x 0.00921; 1000 Genomes Project 0.00799.
gnomAD v4.1: 1,655 of 1,612,938 alleles (0.1%); highest among the groups gnomAD compares: African/African-American, 1.9%; 20 homozygotes.

Submissions (14):

ClinGen Leber Congenital Amaurosis/early Onset Retinal Dystrophy Variant Curation Expert Panel, ClinGen
Classification: Benign for CEP290-related ciliopathy. Last evaluated: 2026-07-20. Review status: reviewed by expert panel. Criteria: ClinGen LCAeoRD ACMG Specifications CEP290 V1.0.0. Collection method: curation. Allele origin: germline. Inheritance: Autosomal recessive inheritance.
Comment: NM_025114.4(CEP290):c.1558T>C (p.Phe520Leu) is a missense variant that replaces phenylalanine with leucine at amino acid 520. This variant is present in gnomAD v4.1.1 at a Grpmax allele frequency of 0.01772, with 1,655 alleles / 1,612,938 total alleles in the African/African-American population, which is higher than the ClinGen LCA/eoRD VCEP BA1 threshold of >0.016 (BA1). This variant has been found in the homozygous state in 30 adult individuals in gnomAD which exceeds the LCA/eoRD VCEP threshold of ≥6 (gnomAD version 4.1.1; BS2). The computational predictor CADD gives a PHRED score of 22.5, which is above the ClinGen LCA/eoRD VCEP threshold of <17.3 and does not predict a non-damaging effect on CEP290 protein function, so BP4 is not met. The splicing impact predictor SpliceAI gives a delta score of 0.09 for donor gain, which is below the ClinGen LCA/eoRD VCEP recommended threshold of <0.1 and does not predict an impact on splicing. In summary, this variant meets the criteria to be classified as Benign for CEP290-related ciliopathy based on the ACMG/AMP criteria applied, as specified by the ClinGen LCA/eoRD VCEP: BA1 and BS2. (LCA/eoRD VCEP Specifications for CEP290 Version 1.0.0)

Labcorp Genetics (formerly Invitae), Labcorp
Classification: Benign for Joubert syndrome; Meckel-Gruber syndrome; Nephronophthisis. Last evaluated: 2026-02-01. Review status: criteria provided, single submitter. Criteria: Invitae Variant Classification Sherloc (09022015). Collection method: clinical testing. Allele origin: germline. Not counted in ClinVar's aggregate classification.

Mayo Clinic Laboratories, Mayo Clinic
Classification: Benign. Last evaluated: 2023-10-25. Review status: criteria provided, single submitter. Criteria: ACMG Guidelines, 2015. Collection method: clinical testing. Allele origin: germline. Observed: 3 variant alleles. Not counted in ClinVar's aggregate classification.
Comment: BS1, BS2, BP4

ARUP Laboratories, Molecular Genetics and Genomics, ARUP Laboratories
Classification: Benign. Last evaluated: 2023-10-16. Review status: criteria provided, single submitter. Criteria: ARUP Molecular Germline Variant Investigation Process 2024. Collection method: clinical testing. Allele origin: germline. Not counted in ClinVar's aggregate classification.

Illumina Laboratory Services, Illumina
Classification: Uncertain significance for Meckel syndrome, type 4. Last evaluated: 2018-01-13. Review status: criteria provided, single submitter. Criteria: ICSL Variant Classification Criteria 13 December 2019. Collection method: clinical testing. Allele origin: germline. Not counted in ClinVar's aggregate classification.

Illumina Laboratory Services, Illumina
Classification: Uncertain significance for Leber congenital amaurosis 10. Last evaluated: 2018-01-13. Review status: criteria provided, single submitter. Criteria: ICSL Variant Classification Criteria 13 December 2019. Collection method: clinical testing. Allele origin: germline. Not counted in ClinVar's aggregate classification.

Illumina Laboratory Services, Illumina
Classification: Benign for Senior-Loken syndrome 6. Last evaluated: 2018-01-13. Review status: criteria provided, single submitter. Criteria: ICSL Variant Classification Criteria 13 December 2019. Collection method: clinical testing. Allele origin: germline. Not counted in ClinVar's aggregate classification.
Comment: This variant was observed in the ICSL laboratory as part of a predisposition screen in an ostensibly healthy population. It had not been previously curated by ICSL or reported in the Human Gene Mutation Database (HGMD: prior to June 1st, 2018), and was therefore a candidate for classification through an automated scoring system. Utilizing variant allele frequency, disease prevalence and penetrance estimates, and inheritance mode, an automated score was calculated to assess if this variant is too frequent to cause the disease. Based on the score and internal cut-off values, a variant classified as benign is not then subjected to further curation. The score for this variant resulted in a classification of benign for this disease.

Illumina Laboratory Services, Illumina
Classification: Benign for Bardet-Biedl syndrome 14. Last evaluated: 2018-01-13. Review status: criteria provided, single submitter. Criteria: ICSL Variant Classification Criteria 13 December 2019. Collection method: clinical testing. Allele origin: germline. Not counted in ClinVar's aggregate classification.
Comment: the same text as in the submission from Illumina Laboratory Services, Illumina above.

Illumina Laboratory Services, Illumina
Classification: Benign for Joubert syndrome 5. Last evaluated: 2018-01-13. Review status: criteria provided, single submitter. Criteria: ICSL Variant Classification Criteria 13 December 2019. Collection method: clinical testing. Allele origin: germline. Not counted in ClinVar's aggregate classification.
Comment: the same text as in the submission from Illumina Laboratory Services, Illumina above.

GeneDx
Classification: Benign. Last evaluated: 2016-05-23. Review status: criteria provided, single submitter. Criteria: GeneDx Variant Classification (06012015). Collection method: clinical testing. Allele origin: germline. Affected: yes. Not counted in ClinVar's aggregate classification.
Comment: This variant is considered likely benign or benign based on one or more of the following criteria: it is a conservative change, it occurs at a poorly conserved position in the protein, it is predicted to be benign by multiple in silico algorithms, and/or has population frequency not consistent with disease.

Genetic Services Laboratory, University of Chicago
Classification: Benign. Last evaluated: 2016-03-14. Review status: criteria provided, single submitter. Criteria: ACMG Guidelines, 2015. Collection method: clinical testing. Allele origin: germline. Affected: no. Not counted in ClinVar's aggregate classification.

PreventionGenetics, part of Exact Sciences
Classification: Benign. Review status: criteria provided, single submitter. Criteria: ACMG Guidelines, 2015. Collection method: clinical testing. Allele origin: germline. Not counted in ClinVar's aggregate classification.

Genome Diagnostics Laboratory, University Medical Center Utrecht
Classification: Benign. Review status: no assertion criteria provided. Collection method: clinical testing. Allele origin: germline. Affected: yes. Study: VKGL Data-share Consensus. Not counted in ClinVar's aggregate classification.

Laboratory of Diagnostic Genome Analysis, Leiden University Medical Center (LUMC)
Classification: Likely benign. Review status: no assertion criteria provided. Collection method: clinical testing. Allele origin: germline. Affected: yes. Study: VKGL Data-share Consensus. Not counted in ClinVar's aggregate classification.

Literature cited by the submitters: PubMed 28912962 (cited by Mayo Clinic Laboratories, Mayo Clinic).

NM_025114.4(CEP290):c.1558T>C (p.Phe520Leu)

Gene: CEP290 (centrosomal protein 290; minus strand). Cytogenetic location: 12q21.32.
Variant type: single nucleotide variant.
Coding change: c.1558T>C on transcript NM_025114.4 (MANE Select); coding-DNA position 1558, T replaced by C.
Protein change: p.Phe520Leu; replaces phenylalanine 520 with leucine.
Molecular consequence: missense variant.
Genome position (GRCh38, 1-based): chr12:88,118,708, A>G on the plus strand (T>C on the coding strand, the complement: CEP290 is on the minus strand). VCF-style: chr12-88118708-A-G. GRCh37 (hg19) VCF-style: chr12-88512485-A-G.
Other names: NM_025114.4(CEP290):c.1558T>C; short protein forms F520L.
Identifiers: ClinVar variation 261827 (VCV000261827.32), dbSNP rs147371999, ClinGen allele CA6712524.